The following is an entry in ClinVar:

ClinVar aggregate classification (germline): Likely benign (1 of 4 stars; one submission).

Submission:

CeGaT Center for Human Genetics Tuebingen
Classification: Likely benign. Last evaluated: 2026-05-01. Review status: criteria provided, single submitter. Criteria: CeGaT Center For Human Genetics Tuebingen Variant Classification Criteria Version 2. Collection method: clinical testing. Allele origin: germline. Affected: yes. Observed: 1 variant allele.
Comment: CDKL5: PM2:Supporting, BP4, BP7

NM_001323289.2(CDKL5):c.792A>G (p.Gly264=)

Gene: CDKL5 (cyclin dependent kinase like 5; plus strand). Cytogenetic location: Xp22.13.
Variant type: single nucleotide variant.
Coding change: c.792A>G on transcript NM_001323289.2 (MANE Select); coding-DNA position 792, A replaced by G.
Protein change: p.Gly264=; no amino-acid change (glycine 264 retained).
Molecular consequence: synonymous variant.
Genome position (GRCh38, 1-based): chrX:18,595,395, A>G. VCF-style: chrX-18595395-A-G. GRCh37 (hg19) VCF-style: chrX-18613515-A-G.
Other names: c.792A>G, p.Gly264= (NM_001037343.2, NM_003159.3).
Identifiers: ClinVar variation 4874991 (VCV004874991.2).